The following is an entry in ClinVar:

ClinVar aggregate classification (germline): association. Review status: no assertion criteria provided (0 of 4 stars). 2 submissions from 1 submitter: association (2). Last evaluated 2026-03-26.

Conditions:
Triple-negative breast cancer. Identifiers: MedGen C3539878.
Gastric cancer. Also called: Malignant tumor of stomach; Stomach cancer. Identifiers: MedGen C0024623, MeSH D013274, MONDO:0001056, OMIM 613659, HP:0012126.

Submissions (2):

Hdge Lab, Department of Biotechnology, Mizoram University
Classification: association for Gastric cancer. Last evaluated: 2026-03-26. Review status: no assertion criteria provided. Collection method: case-control. Allele origin: germline. Affected: yes. Observed: 45 variant alleles.
Comment: Variant identified in a case-control study of gastric cancer. An increased odds ratio was observed (OR=1.891, 95% CI=0.706–5.062). Classified as "association" based on exploratory evidence.

Hdge Lab, Department of Biotechnology, Mizoram University
Classification: association for Triple-negative breast cancer. Last evaluated: 2026-03-26. Review status: no assertion criteria provided. Collection method: case-control. Allele origin: germline. Affected: yes. Observed: 11 variant alleles.
Comment: Variant identified in a case-control study of TNBC cancer. Allele frequencies were compared between cases and controls. An increased odds ratio was observed (OR=1.964, 95% CI=0.388–9.933). Classified as "association" based on exploratory evidence.

NM_001216.3(CA9):c.97G>A (p.Val33Met)

Gene: CA9 (carbonic anhydrase 9; plus strand). Cytogenetic location: 9p13.3.
Variant type: single nucleotide variant.
Coding change: c.97G>A on transcript NM_001216.3 (MANE Select); coding-DNA position 97, G replaced by A.
Protein change: p.Val33Met; replaces valine 33 with methionine.
Molecular consequence: missense variant.
Genome position (GRCh38, 1-based): chr9:35,674,056, G>A. VCF-style: chr9-35674056-G-A. GRCh37 (hg19) VCF-style: chr9-35674053-G-A.
Other names: short protein forms V33M.
Identifiers: ClinVar variation 4819382 (VCV004819382.1), dbSNP rs2071676.